The following is an entry in ClinVar:

NM_000179.3(MSH6):c.4067_*4del (p.Leu1356_Ter1361delinsXaa)

Gene: MSH6 (mutS homolog 6; plus strand). Cytogenetic location: 2p16.3.
Variant type: Deletion.
Coding change: c.4067_*4del on transcript NM_000179.3 (MANE Select); coding-DNA position 4067 through 4 bases downstream of the stop codon, 21 bases deleted (TGATTAAGGAATTATAGACTG).
Protein change: p.Leu1356_Ter1361delinsXaa.
Molecular consequence: stop lost. On other transcripts: non-coding transcript variant (5), 3 prime UTR variant (5).
Genome position (GRCh38, 1-based): chr2:47,806,844-47,806,864, TGATTAAGGAATTATAGACTG deleted. VCF-style (leftmost placement, unchanged base first): chr2-47806843-TTGATTAAGGAATTATAGACTG-T. GRCh37 (hg19) VCF-style: chr2-48033982-TTGATTAAGGAATTATAGACTG-T.
Other names: c.3677_*4del, p.Leu1226_Ter1231delinsXaa (NM_001281492.2); c.3161_*4del, p.Leu1054_Ter1059delinsXaa (NM_001281493.2, NM_001281494.2, NM_001406811.1 and 6 more transcripts); c.4163_*4del, p.Leu1388_Ter1393delinsXaa (NM_001406795.1); c.4067_*4del, p.Leu1356_Ter1361delinsXaa (NM_001406796.1, NM_001406809.1); c.3770_*4del, p.Leu1257_Ter1262delinsXaa (NM_001406797.1, NM_001406805.1, NM_001406818.1 and 8 more transcripts); c.3893_*4del, p.Leu1298_Ter1303delinsXaa (NM_001406798.1); c.3542_*4del, p.Leu1181_Ter1186delinsXaa (NM_001406799.1, NM_001406806.1, NM_001406807.1); c.*88_*108del (NM_001406800.1); and 9 more.
Identifiers: ClinVar variation 4886374 (VCV004886374.2).
Genomic context (GRCh38, chr2:47,806,843, plus strand): 5'-GTTTGCCTGGCTAGTGAAAGGTCAACTGTAGATGCTGAAGCTGTCCATAAATTGCTGACT[TTGATTAAGGAATTATAGACTG>T]ACTACATTGGAAGCTTTGAGTTGACTTCTGACAAAGGTGGTAAATTCAGACAACATTATG-3'

ClinVar aggregate classification (germline): Uncertain significance (1 of 4 stars; one submission).

Submission:

Dasa
Classification: Uncertain significance. Last evaluated: 2026-01-25. Review status: criteria provided, single submitter. Criteria: DASA Assertion Criteria. Collection method: clinical testing. Allele origin: germline.
Comment: NM_000179.3(MSH6):c.4067_*4del (p.Leu1356delinsTyrTyrIleGlySerPheGluLeuThrSerAspLysGlyGlyLysPheArgGlnHisTyrAspLeuIleAsnPheIlePhe*) is a nonsense variant in MSH6 predicted to introduce a premature termination codon. This variant is rare in population databases. The currently available literature and clinical evidence are not sufficient to establish a definitive association between this variant and the reported condition. Therefore, this variant is classified as a variant of uncertain significance.